The following is an entry in ClinVar:

NM_014363.6(SACS):c.6485A>G (p.Asp2162Gly)

Gene: SACS (sacsin molecular chaperone; minus strand). Cytogenetic location: 13q12.12.
Variant type: single nucleotide variant.
Coding change: c.6485A>G on transcript NM_014363.6 (MANE Select); coding-DNA position 6485, A replaced by G.
Protein change: p.Asp2162Gly; replaces aspartic acid 2162 with glycine.
Molecular consequence: missense variant.
Genome position (GRCh38, 1-based): chr13:23,337,391, T>C on the plus strand (A>G on the coding strand, the complement: SACS is on the minus strand). VCF-style: chr13-23337391-T-C. GRCh37 (hg19) VCF-style: chr13-23911530-T-C.
Other names: c.6044A>G, p.Asp2015Gly (NM_001278055.2); short protein forms D2162G, D2015G.
Identifiers: ClinVar variation 451915 (VCV000451915.4), dbSNP rs369388933, ClinGen allele CA6911075.
Genomic context (GRCh38, chr13:23,337,391, plus strand): 5'-CATGCAGCAACATGATCACTTTTATTAATTTCAGCTACTGACACTGCACGTTCTAGCATA[T>C]CATCCCATAAAATATCATCTTTTGCCATACCTAACTGAACTAGTTTAATCAAAATAATAG-3'
Protein context (NP_055178.3, residues 2152-2172): GMAKDDILWD[Asp2162Gly]MLERAVSVAE

ClinVar aggregate classification (germline): Uncertain significance. Review status: criteria provided, multiple submitters, no conflicts (2 of 4 stars). 3 submissions from 3 submitters: Uncertain significance (2). 1 of the submissions does not count toward it. Last evaluated 2021-06-01.

Conditions:
Charlevoix-Saguenay spastic ataxia (SACS). Also called: SPASTIC ATAXIA 6, AUTOSOMAL RECESSIVE; AUTOSOMAL RECESSIVE SPASTIC ATAXIA OF CHARLEVOIX-SAGUENAY; Spastic ataxia of Charlevoix-Saguenay. Identifiers: Orphanet 98, MedGen C1849140, MONDO:0010041, OMIM 270550.

Allele frequency attached by ClinVar (database versions not stated): gnomAD exomes below 0.00001; TOPMed below 0.00001; ExAC 0.00001; gnomAD 0.00001; ESP Exome Variant Server 0.00008.
gnomAD v4.1: 3 of 1,613,374 alleles (0.00019%); highest among the groups gnomAD compares: Non-Finnish European, 0.00025%; no homozygotes.

Submissions (3):

Blueprint Genetics
Classification: Uncertain significance. Last evaluated: 2021-06-01. Review status: criteria provided, single submitter. Criteria: ACMG Guidelines, 2015. Collection method: clinical testing. Allele origin: germline.

GeneDx
Classification: Uncertain significance. Last evaluated: 2017-09-13. Review status: criteria provided, single submitter. Criteria: GeneDx Variant Classification (06012015). Collection method: clinical testing. Allele origin: germline. Affected: yes.
Comment: A variant of uncertain significance has been identified in the SACS gene. The c.6485 A>G variant has not been published as a pathogenic variant, nor has it been reported as a benign variant to our knowledge. The c.6485 A>G variant is not observed at a significant frequency in large population cohorts (Lek et al., 2016; 1000 Genomes Consortium et al., 2015; Exome Variant Server). Several in-silico splice prediction models predict that c.6485 A>G may create a cryptic splice donor site which may supplant the natural donor site and lead to abnormal gene splicing; however, in the absence of RNA/functional studies the actual effect of c.6485 A>G on splicing is unknown. If c.6485 A>G does not alter splicing, it will result in the D2162G missense change, which is a non-conservative amino acid substitution that is likely to impact secondary protein structure as these residues differ in polarity, charge, size and/or other properties. Additionally, this substitution occurs at a position that is conserved across species, and in silico analysis predicts this variant is probably damaging to the protein structure/function. Therefore, based on the currently available information, it is unclear whether this variant is a pathogenic variant or a rare benign variant.

Natera, Inc.
Classification: Uncertain significance for Charlevoix-Saguenay type spastic ataxia. Last evaluated: 2021-05-04. Review status: no assertion criteria provided. Collection method: clinical testing. Allele origin: germline. Not counted in ClinVar's aggregate classification.